The following is an entry in ClinVar:

NM_001371596.2(MFSD8):c.934A>G (p.Ile312Val)

Gene: MFSD8 (major facilitator superfamily domain containing 8; minus strand). Cytogenetic location: 4q28.2.
Variant type: single nucleotide variant.
Coding change: c.934A>G on transcript NM_001371596.2 (MANE Select); coding-DNA position 934, A replaced by G.
Protein change: p.Ile312Val; replaces isoleucine 312 with valine.
Molecular consequence: missense variant.
Genome position (GRCh38, 1-based): chr4:127,930,747, T>C on the plus strand (A>G on the coding strand, the complement: MFSD8 is on the minus strand). VCF-style: chr4-127930747-T-C. GRCh37 (hg19) VCF-style: chr4-128851902-T-C.
Other names: p.I312V:ATA>GTA; c.733A>G, p.Ile245Val (NM_001363520.3); c.619A>G, p.Ile207Val (NM_001363521.3); c.799A>G, p.Ile267Val (NM_001371590.2); c.934A>G, p.Ile312Val (NM_001371591.2, NM_152778.4); c.940A>G, p.Ile314Val (NM_001371592.2); c.820A>G, p.Ile274Val (NM_001371593.2, NM_001410766.1); c.787A>G, p.Ile263Val (NM_001371594.2); and 2 more; short protein forms I312V, I207V, I245V, I218V, I263V, I267V, I274V, I314V.
Identifiers: ClinVar variation 206157 (VCV000206157.18), dbSNP rs77098161, ClinGen allele CA315977.
Genomic context (GRCh38, chr4:127,930,747, plus strand): 5'-TGGAAAGCAACTTAACTCCTAAGAAAATAACAACGGCTTCAACCCCAAGAGCAGCAAGTA[T>C]TATGCCATTATATAACACAGCTTGTTCTTGAGTCCAGGCATACATATCCATTGTTAATGG-3'
Protein context (NP_001358525.1, residues 302-322): QEQAVLYNGI[Ile312Val]LAALGVEAVV

ClinVar aggregate classification (germline): Uncertain significance. Review status: criteria provided, multiple submitters, no conflicts (2 of 4 stars). 7 submissions from 7 submitters: Uncertain significance (6). 1 of the submissions does not count toward it. Last evaluated 2025-07-21.

Conditions:
MFSD8-related disorder. Also called: MFSD8-related condition.
Inborn genetic diseases. Identifiers: MedGen C0950123, MeSH D030342.
Late-infantile neuronal ceroid lipofuscinosis. Also called: Jansky-Bielschowsky disease. Identifiers: MedGen C0022340, MONDO:0015674.
Neuronal ceroid lipofuscinosis 7 (CLN7). Also called: MFSD8-Related Neuronal Ceroid-Lipofuscinosis. Identifiers: Orphanet 168491, Orphanet 228366, MedGen C1838571, MONDO:0012588, OMIM 610951.

Allele frequency attached by ClinVar (database versions not stated): ExAC 0.00007; gnomAD 0.00007 and 0.00013; gnomAD exomes 0.00007; TOPMed 0.00009; 1000 Genomes Project 30x 0.00016; 1000 Genomes Project 0.00020.
gnomAD v4.1: 119 of 1,613,680 alleles (0.0074%); highest among the groups gnomAD compares: Middle Eastern, 0.017%; no homozygotes.

Submissions (7):

Ambry Genetics
Classification: Uncertain significance for Inborn genetic diseases. Last evaluated: 2025-07-21. Review status: criteria provided, single submitter. Criteria: Ambry Variant Classification Scheme 2023. Collection method: clinical testing. Allele origin: germline.

PreventionGenetics, part of Exact Sciences
Classification: Uncertain significance for MFSD8-related condition. Last evaluated: 2025-04-08. Review status: criteria provided, single submitter. Criteria: ACMG Guidelines, 2015. Collection method: clinical testing. Allele origin: germline.
Comment: The MFSD8 c.934A>G variant is predicted to result in the amino acid substitution p.Ile312Val. To our knowledge, this variant has not been reported in the literature. This variant is present in 0.012% of alleles in individuals of European (Non-Finnish) descent in gnomAD. At this time, the clinical significance of this variant is uncertain due to the absence of conclusive functional and genetic evidence.

Blueprint Genetics
Classification: Uncertain significance. Last evaluated: 2024-10-14. Review status: criteria provided, single submitter. Criteria: ACMG Guidelines, 2015. Collection method: clinical testing. Allele origin: germline.

Labcorp Genetics (formerly Invitae), Labcorp
Classification: Uncertain significance for Neuronal ceroid lipofuscinosis 7. Last evaluated: 2022-08-16. Review status: criteria provided, single submitter. Criteria: Invitae Variant Classification Sherloc (09022015). Collection method: clinical testing. Allele origin: germline.
Comment: This sequence change replaces isoleucine, which is neutral and non-polar, with valine, which is neutral and non-polar, at codon 312 of the MFSD8 protein (p.Ile312Val). This variant is present in population databases (rs77098161, gnomAD 0.01%). This variant has not been reported in the literature in individuals affected with MFSD8-related conditions. ClinVar contains an entry for this variant (Variation ID: 206157). Algorithms developed to predict the effect of missense changes on protein structure and function are either unavailable or do not agree on the potential impact of this missense change (SIFT: "Tolerated"; PolyPhen-2: "Possibly Damaging"; Align-GVGD: "Class C0"). Algorithms developed to predict the effect of sequence changes on RNA splicing suggest that this variant may create or strengthen a splice site. In summary, the available evidence is currently insufficient to determine the role of this variant in disease. Therefore, it has been classified as a Variant of Uncertain Significance.

GeneDx
Classification: Uncertain significance. Last evaluated: 2020-01-24. Review status: criteria provided, single submitter. Criteria: GeneDx Variant Classification Process June 2021. Collection method: clinical testing. Allele origin: germline. Affected: yes.
Comment: Not observed at a significant frequency in large population cohorts (Lek et al., 2016); In silico analysis, which includes protein predictors and evolutionary conservation, supports that this variant does not alter protein structure/function; Has not been previously published as pathogenic or benign to our knowledge

Illumina Laboratory Services, Illumina
Classification: Uncertain significance for Neuronal ceroid lipofuscinosis 7. Last evaluated: 2018-01-13. Review status: criteria provided, single submitter. Criteria: ICSL Variant Classification Criteria 13 December 2019. Collection method: clinical testing. Allele origin: germline.

Natera, Inc.
Classification: Uncertain significance for Late-infantile neuronal ceroid lipofuscinosis. Last evaluated: 2019-11-11. Review status: no assertion criteria provided. Collection method: clinical testing. Allele origin: germline. Not counted in ClinVar's aggregate classification.